The following is an entry in ClinVar:

ClinVar aggregate classification (germline): Uncertain significance. Review status: criteria provided, multiple submitters, no conflicts (2 of 4 stars). 2 submissions from 2 submitters: Uncertain significance (2). Last evaluated 2024-05-09.

Conditions:
Inborn genetic diseases. Identifiers: MedGen C0950123, MeSH D030342.
Neuronal ceroid lipofuscinosis. Also called: Neuronal Ceroid Lipofuscinoses. Identifiers: Orphanet 216, Orphanet 79263, MedGen C0027877, MONDO:0016295. Disease mechanism: loss of function.

Allele frequency attached by ClinVar (database versions not stated): gnomAD exomes below 0.00001.
gnomAD v4.1: 4 of 1,607,800 alleles (0.00025%); highest among the groups gnomAD compares: Non-Finnish European, 0.00034%; no homozygotes.

Submissions (2):

Labcorp Genetics (formerly Invitae), Labcorp
Classification: Uncertain significance for Neuronal ceroid lipofuscinosis. Last evaluated: 2024-05-09. Review status: criteria provided, single submitter. Criteria: Invitae Variant Classification Sherloc (09022015). Collection method: clinical testing. Allele origin: germline.
Comment: This sequence change falls in intron 3 of the CLN6 gene. It does not directly change the encoded amino acid sequence of the CLN6 protein. It affects a nucleotide within the consensus splice site. This variant is not present in population databases (gnomAD no frequency). This variant has not been reported in the literature in individuals affected with CLN6-related conditions. ClinVar contains an entry for this variant (Variation ID: 589027). Variants that disrupt the consensus splice site are a relatively common cause of aberrant splicing (PMID: 17576681, 9536098). Algorithms developed to predict the effect of sequence changes on RNA splicing suggest that this variant is not likely to affect RNA splicing. In summary, the available evidence is currently insufficient to determine the role of this variant in disease. Therefore, it has been classified as a Variant of Uncertain Significance.

Ambry Genetics
Classification: Uncertain significance for Inborn genetic diseases. Last evaluated: 2017-05-09. Review status: criteria provided, single submitter. Criteria: Ambry Variant Classification Scheme 2023. Collection method: clinical testing. Allele origin: germline.
Comment: The c.297+4C>T intronic variant results from a C to T substitution 4 nucleotides after coding exon 3 in the CLN6 gene. This nucleotide position is well conserved in available vertebrate species. Using the BDGP and ESEfinder splice site prediction tools, this alteration is not predicted to have any significant effect on this splice donor site; however, direct evidence is unavailable. Since supporting evidence is limited at this time, the clinical significance of this alteration remains unclear.

Literature cited by the submitters: PubMed 17576681 (cited by Labcorp Genetics (formerly Invitae), Labcorp); PubMed 9536098 (cited by Labcorp Genetics (formerly Invitae), Labcorp).

NM_017882.3(CLN6):c.297+4C>T

Gene: CLN6 (CLN6 transmembrane ER protein; minus strand). Cytogenetic location: 15q23.
Variant type: single nucleotide variant.
Coding change: c.297+4C>T on transcript NM_017882.3 (MANE Select); 4 bases into the intron after coding-DNA position 297, C replaced by T.
Molecular consequence: intron variant.
Genome position (GRCh38, 1-based): chr15:68,214,286, G>A on the plus strand (C>T on the coding strand, the complement: CLN6 is on the minus strand). VCF-style: chr15-68214286-G-A. GRCh37 (hg19) VCF-style: chr15-68506624-G-A.
Identifiers: ClinVar variation 589027 (VCV000589027.13), dbSNP rs1030759897, ClinGen allele CA272387621.